The following is an entry in ClinVar:

ClinVar aggregate classification (germline): Likely benign. Review status: criteria provided, single submitter (1 of 4 stars). 2 submissions from 2 submitters: Likely benign (1). 1 of the submissions does not count toward it. Last evaluated 2026-01-11.

Conditions:
ADGRE2-related disorder. Also called: ADGRE2-related condition.

Submissions (2):

Labcorp Genetics (formerly Invitae), Labcorp
Classification: Likely benign. Last evaluated: 2026-01-11. Review status: criteria provided, single submitter. Criteria: Invitae Variant Classification Sherloc (09022015). Collection method: clinical testing. Allele origin: germline.

PreventionGenetics, part of Exact Sciences
Classification: Likely benign for ADGRE2-related condition. Last evaluated: 2020-05-14. Review status: no assertion criteria provided. Collection method: clinical testing. Allele origin: germline. Not counted in ClinVar's aggregate classification.
Comment: This variant is classified as likely benign based on ACMG/AMP sequence variant interpretation guidelines (Richards et al. 2015 PMID: 25741868, with internal and published modifications).

NM_013447.4(ADGRE2):c.2464-17AT[7]

Gene: ADGRE2 (adhesion G protein-coupled receptor E2; minus strand). Cytogenetic location: 19p13.12.
Variant type: Microsatellite.
Coding change: c.2464-17AT[7] on transcript NM_013447.4 (MANE Select); seven copies in a row of the 2-base unit AT starting at c.2464-17; the reference has six copies in a row; one copy, 2 bases duplicated.
Molecular consequence: intron variant.
Genome position (GRCh38, 1-based): chr19:14,736,250-14,736,251, AT duplicated on the plus strand (AT on the coding strand, the reverse complement: ADGRE2 is on the minus strand); duplicating any 2 consecutive bases within chr19:14,736,250-14,736,261 gives the same sequence; the position shown is the placement nearest the transcript's 3' end. VCF-style (leftmost placement, unchanged base first): chr19-14736249-A-AAT. GRCh37 (hg19) VCF-style: chr19-14847061-A-AAT.
Other names: c.2290-17AT[7] (NM_001271052.1); c.2464-7_2464-6dupAT (NM_013447.3).
Identifiers: ClinVar variation 2043923 (VCV002043923.6), dbSNP rs200503456, ClinGen allele CA9257358.